The following is an entry in ClinVar:

ClinVar aggregate classification (germline): Pathogenic. Review status: criteria provided, multiple submitters, no conflicts (2 of 4 stars). 11 submissions from 10 submitters: Pathogenic (8). 3 of the submissions do not count toward it. Last evaluated 2024-08-02.

Conditions:
COL1A1-related disorder. Also called: COL1A1-related condition; COL1A1- related disease.
Combined osteogenesis imperfecta and Ehlers-Danlos syndrome 1. Also called: OIEDS SYNDROME 1. Identifiers: MedGen C5436842, MONDO:0030854, OMIM 619115.
Osteogenesis imperfecta, perinatal lethal (OI2). Also called: OSTEOGENESIS IMPERFECTA, TYPE II; Osteogenesis imperfecta type 2; OI, TYPE II; OSTEOGENESIS IMPERFECTA CONGENITA; VROLIK TYPE OF OSTEOGENESIS IMPERFECTA; Osteogenesis imperfecta, dominant perinatal lethal. Identifiers: Orphanet 216804, MedGen C0268358, MONDO:0008147, OMIM 166210.
Osteogenesis imperfecta type I (OI1). Also called: Lobstein disease; Classic Non-deforming Osteogenesis Imperfecta with Blue Sclerae; OI, TYPE I; OSTEOGENESIS IMPERFECTA TARDA; OSTEOGENESIS IMPERFECTA WITH BLUE SCLERAE; Osteogenesis imperfecta type 1. Identifiers: Orphanet 216796, Orphanet 666, MedGen C0023931, MONDO:0008146, OMIM 166200. Disease mechanism: loss of function.
Osteogenesis imperfecta (OI). Identifiers: Orphanet 666, MedGen C0029434, MeSH D010013, MONDO:0019019.

Submissions (11):

Labcorp Genetics (formerly Invitae), Labcorp
Classification: Pathogenic for Osteogenesis imperfecta type I. Last evaluated: 2024-08-02. Review status: criteria provided, single submitter. Criteria: Invitae Variant Classification Sherloc (09022015). Collection method: clinical testing. Allele origin: germline.
Comment: This variant, c.3150_3158del, results in the deletion of 3 amino acid(s) of the COL1A1 protein (p.Ala1053_Gly1055del), but otherwise preserves the integrity of the reading frame. This variant is not present in population databases (gnomAD no frequency). This variant has been observed in individual(s) with clinical features of Ehlers-Danlos syndrome and/or osteogenesis imperfecta (PMID: 1939261, 28261977). In at least one individual the variant was observed to be de novo. This variant is also known as deletion of 9 base pairs, 868-876, single Gly-Ala-Pro triplet. ClinVar contains an entry for this variant (Variation ID: 372753). This variant disrupts the triple helix domain of COL1A1. Glycine residues within the Gly-Xaa-Yaa repeats of the triple helix domain are required for the structure and stability of fibrillar collagens (PMID: 7695699, 8218237, 19344236). In COL1A1, variants affecting these glycine residues are significantly enriched in individuals with disease (PMID: 9016532, 17078022) compared to the general population (ExAC). For these reasons, this variant has been classified as Pathogenic.

Blueprint Genetics
Classification: Pathogenic for COL1A1-related disorders. Last evaluated: 2024-06-06. Review status: criteria provided, single submitter. Criteria: ACMG Guidelines, 2015. Collection method: clinical testing. Allele origin: germline. Affected: yes. Observed: 1 variant allele.

GeneDx
Classification: Pathogenic. Last evaluated: 2022-12-22. Review status: criteria provided, single submitter. Criteria: GeneDx Variant Classification Process June 2021. Collection method: clinical testing. Allele origin: germline. Affected: yes.
Comment: In-frame deletion of 3 amino acids in a non-repeat region predicted to critically alter the protein; Not observed at significant frequency in large population cohorts (gnomAD); In silico analysis supports a deleterious effect on protein structure/function; Occurs in the triple helical domain and is predicted to remove canonical Gly-X-Y repeat units; an in-frame deletion variant in this region is expected to disrupt normal protein folding and function, and this is an established mechanism of disease (Stenson et al., 2014); This variant is associated with the following publications: (PMID: 1939261, 22795119, 28261977, 34025714, 21239989, 32627857)

PreventionGenetics, part of Exact Sciences
Classification: Pathogenic for COL1A1-related condition. Last evaluated: 2022-12-22. Review status: criteria provided, single submitter. Criteria: ACMG Guidelines, 2015. Collection method: clinical testing. Allele origin: germline.
Comment: The COL1A1 c.3150_3158del9 variant is predicted to result in an in-frame deletion (p.Ala1053_Gly1055del). This variant was reported to have occurred de novo in multiple cases of lethal type osteogenesis imperfecta (Hawkins and Steinmann. 1991. PubMed ID: 1939261; Chen et al. 2012. PubMed ID: 22795119; Corsten-Janssen et al. 2020. PubMed ID: 32627857). In the mosaic state, this variant was documented in a milder manifestation (Symoens et al. 2017. PubMed ID: 28261977). Functional studies showed that this variant results in overmodification of the mutant type I collagen (Hawkins and Steinmann. 1991. PubMed ID: 1939261; Symoens et al. 2017. PubMed ID: 28261977). This variant has not been reported in a large population database, indicating this variant is rare. This variant is interpreted as pathogenic.

Genome Diagnostics Laboratory, The Hospital for Sick Children
Classification: Pathogenic for Osteogenesis imperfecta. Last evaluated: 2020-06-01. Review status: criteria provided, single submitter. Criteria: ACMG Guidelines, 2015. Collection method: clinical testing. Allele origin: germline.

Athena Diagnostics
Classification: Pathogenic. Last evaluated: 2018-06-29. Review status: criteria provided, single submitter. Criteria: Athena Diagnostics Criteria. Collection method: clinical testing. Allele origin: germline.

MVZ Martinsried, Medicover Genetics
Classification: Pathogenic for Osteogenesis imperfecta, perinatal lethal. Last evaluated: 2017-11-09. Review status: criteria provided, single submitter. Criteria: ACMG Guidelines, 2015. Collection method: clinical testing. Allele origin: unknown. Affected: yes.

Kasturba Medical College, Manipal, Kasturba Medical College, Manipal, Manipal Academy of Higher Education, Manipal, India
Classification: Pathogenic for Osteogenesis imperfecta, perinatal lethal. Review status: criteria provided, single submitter. Criteria: ACMG Guidelines, 2015. Collection method: clinical testing. Allele origin: de novo. Inheritance: Autosomal dominant inheritance. Affected: yes. Observed: 1 heterozygote.

Zotz-Klimas Genetics Lab, MVZ Zotz Klimas
Classification: Pathogenic for Osteogenesis imperfecta type I. Last evaluated: 2023-10-09. Review status: no assertion criteria provided. Collection method: clinical testing. Allele origin: germline. Affected: yes. Not counted in ClinVar's aggregate classification.

OMIM
Classification: Pathogenic for OSTEOGENESIS IMPERFECTA, TYPE II. Last evaluated: 2020-12-10. Review status: no assertion criteria provided. Collection method: literature only. Allele origin: germline. Not counted in ClinVar's aggregate classification.

OMIM
Classification: Pathogenic for COMBINED OSTEOGENESIS IMPERFECTA AND EHLERS-DANLOS SYNDROME 1. Last evaluated: 2020-12-10. Review status: no assertion criteria provided. Collection method: literature only. Allele origin: germline. Not counted in ClinVar's aggregate classification.

Literature cited by the submitters: PubMed 1939261 (cited by 3 submitters); PubMed 28261977 (cited by 3 submitters); PubMed 7695699 (cited by Labcorp Genetics (formerly Invitae), Labcorp); PubMed 8218237 (cited by Labcorp Genetics (formerly Invitae), Labcorp); PubMed 19344236 (cited by Labcorp Genetics (formerly Invitae), Labcorp); PubMed 9016532 (cited by Labcorp Genetics (formerly Invitae), Labcorp); PubMed 17078022 (cited by Labcorp Genetics (formerly Invitae), Labcorp); PubMed 22795119 (cited by Athena Diagnostics).

NM_000088.4(COL1A1):c.3141TCCTGGTGC[1] (p.1047APG[2])

Gene: COL1A1 (collagen type I alpha 1 chain; minus strand). Cytogenetic location: 17q21.33.
Variant type: Microsatellite.
Coding change: c.3141TCCTGGTGC[1] on transcript NM_000088.4 (MANE Select); one copy of the 9-base unit TCCTGGTGC starting at c.3141; the reference has two copies in a row; one copy, 9 bases deleted; also written c.3150_3158del.
Protein change: p.1047APG[2].
Molecular consequence: inframe deletion.
Genome position (GRCh38, 1-based): chr17:50,188,579-50,188,587, GCACCAGGA deleted on the plus strand (TCCTGGTGC on the coding strand, the reverse complement: COL1A1 is on the minus strand); deleting any 9 consecutive bases within chr17:50,188,579-50,188,604 gives the same sequence; the position shown is the placement nearest the transcript's 3' end. VCF-style (leftmost placement, unchanged base first): chr17-50188578-GGCACCAGGA-G. GRCh37 (hg19) VCF-style: chr17-48265939-GGCACCAGGA-G.
Other names: c.3150_3158delTCCTGGTGC (NM_000088.3); c.3150_3158del (NM_000088.4).
Identifiers: ClinVar variation 372753 (VCV000372753.18), dbSNP rs74315111, ClinGen allele CA16043049.